The following is an entry in ClinVar:

ClinVar aggregate classification (germline): Uncertain significance. Review status: criteria provided, multiple submitters, no conflicts (2 of 4 stars). 6 submissions from 6 submitters: Uncertain significance (6). Last evaluated 2025-06-03.

Conditions:
Frasier syndrome. Identifiers: Orphanet 347, MedGen C0950122, MeSH D052159, MONDO:0007635, OMIM 136680.
Wilms tumor 1 (WT1). Also called: Wilms tumor, somatic. Identifiers: Orphanet 654, MedGen CN033288, MONDO:0008679, OMIM 194070.
11p partial monosomy syndrome (WAGR). Also called: CHROMOSOME 11p13 DELETION SYNDROME; WAGR Spectrum Disorder; WAGR Complex; WAGR syndrome. Identifiers: Orphanet 893, MedGen C0206115, MONDO:0008681, OMIM 194072.
Drash syndrome (DDS). Also called: NEPHROPATHY, WILMS TUMOR, AND GENITAL ANOMALIES; WILMS TUMOR AND PSEUDO- OR TRUE HERMAPHRODITISM. Identifiers: Orphanet 220, MedGen C0950121, MONDO:0008682, OMIM 194080.
Aniridia 1 (AN1). Identifiers: Orphanet 250923, MedGen C0344542, MONDO:0024507, OMIM 106210.
Meacham syndrome. Also called: Meacham Winn Culler syndrome. Identifiers: Orphanet 3097, MedGen C1837026, MONDO:0012164, OMIM 608978.
Mesothelioma, malignant (MESOM). Also called: Malignant mesothelioma (disease). Identifiers: Orphanet 50251, MedGen C0345967, MONDO:0006292, OMIM 156240, HP:0100001.
Nephrotic syndrome, type 4 (NPHS4). Also called: Familial mesangial sclerosis; Nephrotic syndrome, early onset with diffuse mesangial sclerosis. Identifiers: Orphanet 656, MedGen C3151568, MONDO:0009733, OMIM 256370.
Inborn genetic diseases. Identifiers: MedGen C0950123, MeSH D030342.

Allele frequency attached by ClinVar (database versions not stated): ExAC 0.00001; gnomAD 0.00001; TOPMed 0.00002.

Submissions (6):

Color Diagnostics, LLC DBA Color Health
Classification: Uncertain significance for Wilms tumor 1. Last evaluated: 2025-06-03. Review status: criteria provided, single submitter. Criteria: ACMG Guidelines, 2015. Collection method: clinical testing. Allele origin: germline.
Comment: This missense variant replaces glycine with arginine at codon 224 of the WT1 protein. Computational prediction is inconclusive regarding the impact of this variant on protein structure and function. To our knowledge, functional studies have not been reported for this variant. This variant has not been reported in individuals affected with WT1-related disorders in the literature. This variant has been identified in 2/250456 chromosomes in the general population by the Genome Aggregation Database (gnomAD). The available evidence is insufficient to determine the role of this variant in disease conclusively. Therefore, this variant is classified as a Variant of Uncertain Significance.

Ambry Genetics
Classification: Uncertain significance for Inborn genetic diseases. Last evaluated: 2025-01-30. Review status: criteria provided, single submitter. Criteria: Ambry Variant Classification Scheme 2023. Collection method: clinical testing. Allele origin: germline.
Comment: The p.G224R variant (also known as c.670G>A), located in coding exon 2 of the WT1 gene, results from a G to A substitution at nucleotide position 670. The glycine at codon 224 is replaced by arginine, an amino acid with dissimilar properties. This amino acid position is well conserved in available vertebrate species. In addition, this alteration is predicted to be deleterious by in silico analysis. Based on the available evidence, the clinical significance of this variant remains unclear.

Labcorp Genetics (formerly Invitae), Labcorp
Classification: Uncertain significance for Wilms tumor 1; Drash syndrome; 11p partial monosomy syndrome; Frasier syndrome. Last evaluated: 2024-01-03. Review status: criteria provided, single submitter. Criteria: Invitae Variant Classification Sherloc (09022015). Collection method: clinical testing. Allele origin: germline.
Comment: This sequence change replaces glycine, which is neutral and non-polar, with arginine, which is basic and polar, at codon 224 of the WT1 protein (p.Gly224Arg). This variant is present in population databases (rs767419243, gnomAD 0.002%). This variant has not been reported in the literature in individuals affected with WT1-related conditions. ClinVar contains an entry for this variant (Variation ID: 566230). An algorithm developed to predict the effect of missense changes on protein structure and function (PolyPhen-2) suggests that this variant is likely to be disruptive. In summary, the available evidence is currently insufficient to determine the role of this variant in disease. Therefore, it has been classified as a Variant of Uncertain Significance.

GeneDx
Classification: Uncertain significance. Last evaluated: 2023-09-12. Review status: criteria provided, single submitter. Criteria: GeneDx Variant Classification Process June 2021. Collection method: clinical testing. Allele origin: germline.
Comment: Not observed at significant frequency in large population cohorts (gnomAD); In silico analysis supports that this missense variant has a deleterious effect on protein structure/function; Has not been previously published as pathogenic or benign to our knowledge; This variant is associated with the following publications: (PMID: 8486616)

Baylor Genetics
Classification: Uncertain significance for Drash syndrome. Last evaluated: 2023-07-28. Review status: criteria provided, single submitter. Criteria: ACMG Guidelines, 2015. Collection method: clinical testing. Allele origin: unknown.

Fulgent Genetics
Classification: Uncertain significance for Aniridia 1; Frasier syndrome; Mesothelioma, malignant; Wilms tumor 1; 11p partial monosomy syndrome; Drash syndrome; Nephrotic syndrome, type 4; Meacham syndrome. Last evaluated: 2022-02-02. Review status: criteria provided, single submitter. Criteria: ACMG Guidelines, 2015. Collection method: clinical testing. Allele origin: unknown.

NM_024426.6(WT1):c.685G>A (p.Gly229Arg)

Gene: WT1 (WT1 transcription factor; minus strand). Cytogenetic location: 11p13.
Variant type: single nucleotide variant.
Coding change: c.685G>A on transcript NM_024426.6 (MANE Select); coding-DNA position 685, G replaced by A.
Protein change: p.Gly229Arg; replaces glycine 229 with arginine.
Molecular consequence: missense variant. On other transcripts: non-coding transcript variant (1).
Genome position (GRCh38, 1-based): chr11:32,428,596, C>T on the plus strand (G>A on the coding strand, the complement: WT1 is on the minus strand). VCF-style: chr11-32428596-C-T. GRCh37 (hg19) VCF-style: chr11-32450142-C-T.
Other names: c.685G>A, p.Gly229Arg (NM_000378.6, NM_001407044.1, NM_001407045.1 and 4 more transcripts); c.34G>A, p.Gly12Arg (NM_001198551.2, NM_001198552.2); c.-78G>A (NM_001407051.1); c.670G>A, p.Gly224Arg (NM_024425.2); short protein forms G12R, G229R.
Identifiers: ClinVar variation 566230 (VCV000566230.16), dbSNP rs767419243, ClinGen allele CA065468.
Genomic context (GRCh38, chr11:32,428,596, plus strand): 5'-ATGAGTGGTTGGGGAACTGCGCCGCATGGTGCGAGGGCGTGTGACCGTAGCTGGGCGTCC[C>T]GTCGAAGGTGACCGTGCTGTAACCTGCGGGAGCGGCGGAGAGAAGCACAGTGTCAGCGGT-3'
Protein context (NP_077744.4, residues 219-239): NQGYSTVTFD[Gly229Arg]TPSYGHTPSH